The following is an entry in ClinVar:

NM_017534.6(MYH2):c.4000G>A (p.Ala1334Thr)

Genes: MYH2 (myosin heavy chain 2; minus strand), MYHAS (myosin heavy chain gene cluster antisense RNA; plus strand). Cytogenetic location: 17p13.1.
Variant type: single nucleotide variant.
Coding change: c.4000G>A on transcript NM_017534.6 (MANE Select); coding-DNA position 4000, G replaced by A.
Protein change: p.Ala1334Thr; replaces alanine 1334 with threonine.
Molecular consequence: missense variant.
Genome position (GRCh38, 1-based): chr17:10,526,786, C>T on the plus strand (G>A on the coding strand, the complement: MYH2 is on the minus strand). VCF-style: chr17-10526786-C-T. GRCh37 (hg19) VCF-style: chr17-10430103-C-T.
Other names: c.4000G>A, p.Ala1334Thr (NM_001100112.2); short protein forms A1334T.
Identifiers: ClinVar variation 1415615 (VCV001415615.8), dbSNP rs779257410, ClinGen allele CA8390750.

ClinVar aggregate classification (germline): Uncertain significance (1 of 4 stars; one submission).

Conditions:
Myopathy, proximal, and ophthalmoplegia (CMYO6). Also called: CONGENITAL MYOPATHY 6 WITH OPHTHALMOPLEGIA; MYOPATHY WITH CONGENITAL JOINT CONTRACTURES, OPHTHALMOPLEGIA, AND RIMMED VACUOLES; INCLUSION BODY MYOPATHY 3, AUTOSOMAL DOMINANT. Identifiers: Orphanet 363677, Orphanet 79091, MedGen C1854106, MONDO:0011577, OMIM 605637.

gnomAD v4.1: 10 of 1,614,202 alleles (0.00062%); highest among the groups gnomAD compares: East Asian, 0.0022%; no homozygotes.

Submission:

Labcorp Genetics (formerly Invitae), Labcorp
Classification: Uncertain significance for Myopathy, proximal, and ophthalmoplegia. Last evaluated: 2021-02-16. Review status: criteria provided, single submitter. Criteria: Invitae Variant Classification Sherloc (09022015). Collection method: clinical testing. Allele origin: germline.
Comment: In summary, the available evidence is currently insufficient to determine the role of this variant in disease. Therefore, it has been classified as a Variant of Uncertain Significance. Algorithms developed to predict the effect of missense changes on protein structure and function are either unavailable or do not agree on the potential impact of this missense change (SIFT: "Deleterious"; PolyPhen-2: "Benign"; Align-GVGD: "Class C0"). This sequence change replaces alanine with threonine at codon 1334 of the MYH2 protein (p.Ala1334Thr). The alanine residue is highly conserved and there is a small physicochemical difference between alanine and threonine. This variant is present in population databases (rs779257410, ExAC 0.01%). This variant has not been reported in the literature in individuals with MYH2-related conditions.